The following is an entry in ClinVar:

ClinVar aggregate classification (germline): Uncertain significance (1 of 4 stars; one submission).

Conditions:
Hereditary cancer-predisposing syndrome. Also called: Neoplastic Syndromes, Hereditary; Tumor predisposition; Hereditary Cancer Syndrome; Hereditary neoplastic syndrome. Identifiers: Orphanet 140162, MedGen C0027672, MeSH D009386, MONDO:0015356.

Submission:

Ambry Genetics
Classification: Uncertain significance for Hereditary cancer-predisposing syndrome. Last evaluated: 2026-03-25. Review status: criteria provided, single submitter. Criteria: Ambry Variant Classification Scheme 2023. Collection method: clinical testing. Allele origin: germline.
Comment: The p.S1968Y variant (also known as c.5903C>A), located in coding exon 15 of the APC gene, results from a C to A substitution at nucleotide position 5903. The serine at codon 1968 is replaced by tyrosine, an amino acid with dissimilar properties. This amino acid position is conserved. In addition, in silico predictors for this gene do not accurately predict pathogenicity. Based on the available evidence, the clinical significance of this variant remains unclear.

NM_000038.6(APC):c.5903C>A (p.Ser1968Tyr)

Gene: APC (APC regulator of Wnt signaling pathway; plus strand). Cytogenetic location: 5q22.2.
Variant type: single nucleotide variant.
Coding change: c.5903C>A on transcript NM_000038.6 (MANE Select); coding-DNA position 5903, C replaced by A.
Protein change: p.Ser1968Tyr; replaces serine 1968 with tyrosine.
Molecular consequence: missense variant. On other transcripts: non-coding transcript variant (2).
Genome position (GRCh38, 1-based): chr5:112,841,497, C>A. VCF-style: chr5-112841497-C-A. GRCh37 (hg19) VCF-style: chr5-112177194-C-A.
Other names: c.5903C>A, p.Ser1968Tyr (NM_001127510.3, NM_001354895.2, NM_001407450.1); c.5849C>A, p.Ser1950Tyr (NM_001127511.3); c.5957C>A, p.Ser1986Tyr (NM_001354896.2, NM_001407447.1, NM_001407448.1 and 1 more transcripts); c.5933C>A, p.Ser1978Tyr (NM_001354897.2); c.5828C>A, p.Ser1943Tyr (NM_001354898.2); c.5819C>A, p.Ser1940Tyr (NM_001354899.2); c.5780C>A, p.Ser1927Tyr (NM_001354900.2); c.5726C>A, p.Ser1909Tyr (NM_001354901.2, NM_001407453.1); and 11 more; short protein forms S1584Y, S1685Y, S1808Y, S1839Y, S1842Y, S1867Y, S1877Y, S1885Y.
Identifiers: ClinVar variation 4860941 (VCV004860941.1).